The following is an entry in ClinVar:

NM_033026.6(PCLO):c.824_826del (p.Gln275del)

Gene: PCLO (piccolo presynaptic cytomatrix protein; minus strand). Cytogenetic location: 7q21.11.
Variant type: Deletion.
Coding change: c.824_826del on transcript NM_033026.6 (MANE Select); coding-DNA positions 824 to 826, 3 bases deleted (AAC; older notation c.824_826delAAC).
Protein change: p.Gln275del; deletes glutamine 275.
Molecular consequence: inframe deletion.
Genome position (GRCh38, 1-based): chr7:83,155,815-83,155,817, GTT deleted on the plus strand (AAC on the coding strand, the reverse complement: PCLO is on the minus strand); deleting any 3 consecutive bases within chr7:83,155,815-83,155,818 gives the same sequence; the c. name uses the placement nearest the transcript's 3' end. VCF-style (leftmost placement, unchanged base first): chr7-83155814-CGTT-C. GRCh37 (hg19) VCF-style: chr7-82785130-CGTT-C.
Other names: c.824_826delAAC (NM_033026.5); c.824_826del, p.Gln275del (NM_014510.3); short protein forms Q275del.
Identifiers: ClinVar variation 1410421 (VCV001410421.11), dbSNP rs565675570, ClinGen allele CA4321593.

ClinVar aggregate classification (germline): Conflicting classifications of pathogenicity. Review status: criteria provided, conflicting classifications (1 of 4 stars). 3 submissions from 3 submitters: Uncertain significance (1); Likely benign (1). 1 of the submissions does not count toward it. Last evaluated 2026-01-28.

Conditions:
PCLO-related disorder. Also called: PCLO-related condition.
Pontocerebellar hypoplasia type 3 (PCH3). Also called: PCH WITH OPTIC ATROPHY; CEREBELLAR ATROPHY WITH PROGRESSIVE MICROCEPHALY. Identifiers: Orphanet 97249, MedGen C1842687, MONDO:0011948, OMIM 608027.

Submissions (3):

Labcorp Genetics (formerly Invitae), Labcorp
Classification: Likely benign. Last evaluated: 2026-01-28. Review status: criteria provided, single submitter. Criteria: Invitae Variant Classification Sherloc (09022015). Collection method: clinical testing. Allele origin: germline.

Daryl Scott Lab, Baylor College of Medicine
Classification: Uncertain significance for Pontocerebellar hypoplasia type 3. Last evaluated: 2022-02-01. Review status: criteria provided, single submitter. Criteria: ACMG Guidelines, 2015. Collection method: clinical testing. Allele origin: unknown. Observed: 1 variant allele, 1 compound heterozygote.

PreventionGenetics, part of Exact Sciences
Classification: Likely benign for PCLO-related condition. Last evaluated: 2022-04-29. Review status: no assertion criteria provided. Collection method: clinical testing. Allele origin: germline. Not counted in ClinVar's aggregate classification.
Comment: This variant is classified as likely benign based on ACMG/AMP sequence variant interpretation guidelines (Richards et al. 2015 PMID: 25741868, with internal and published modifications).

Literature cited by the submitters: PubMed 36474027 (cited by Daryl Scott Lab, Baylor College of Medicine).